The following is an entry in ClinVar:

NM_001005337.3(PKP1):c.586A>G (p.Ile196Val)

Gene: PKP1 (plakophilin 1; plus strand). Cytogenetic location: 1q32.1.
Variant type: single nucleotide variant.
Coding change: c.586A>G on transcript NM_001005337.3 (MANE Select); coding-DNA position 586, A replaced by G.
Protein change: p.Ile196Val; replaces isoleucine 196 with valine.
Molecular consequence: missense variant.
Genome position (GRCh38, 1-based): chr1:201,313,445, A>G. VCF-style: chr1-201313445-A-G. GRCh37 (hg19) VCF-style: chr1-201282573-A-G.
Other names: c.586A>G, p.Ile196Val (NM_000299.4); short protein forms I196V.
Identifiers: ClinVar variation 294808 (VCV000294808.16), dbSNP rs35507614, ClinGen allele CA1324126.
Genomic context (GRCh38, chr1:201,313,445, plus strand): 5'-GGCCAGAAGACCACCCAGAACCGCTACAGCTTTTACAGCACCTGCAGTGGTCAGAAGGCC[A>G]TAAAGAAGTGCCCTGTGCGCCCGCCCTCTTGTGCCTCCAAGCAGGACCCTGTGTATATCC-3'
Protein context (NP_001005337.1, residues 186-206): FYSTCSGQKA[Ile196Val]KKCPVRPPSC

ClinVar aggregate classification (germline): Benign. Review status: criteria provided, multiple submitters, no conflicts (2 of 4 stars). 4 submissions from 4 submitters: Benign (4). Last evaluated 2026-02-02.

Conditions:
Epidermolysis bullosa simplex due to plakophilin deficiency. Also called: MCGRATH SYNDROME. Identifiers: Orphanet 158668, MedGen C1858302, MONDO:0011472, OMIM 604536.

Allele frequency attached by ClinVar (database versions not stated): gnomAD exomes 0.06246; ExAC 0.09719; gnomAD 0.10341 and 0.10831; 1000 Genomes Project 0.10383; 1000 Genomes Project 30x 0.10899; TOPMed 0.10948; ESP Exome Variant Server 0.11710.
gnomAD v4.1: 101,268 of 1,605,972 alleles (6.3%); highest among the groups gnomAD compares: African/African-American, 23%; 4,718 homozygotes.

Submissions (4):

Labcorp Genetics (formerly Invitae), Labcorp
Classification: Benign. Last evaluated: 2026-02-02. Review status: criteria provided, single submitter. Criteria: Invitae Variant Classification Sherloc (09022015). Collection method: clinical testing. Allele origin: germline.

GeneDx
Classification: Benign. Last evaluated: 2018-11-12. Review status: criteria provided, single submitter. Criteria: GeneDx Variant Classification Process June 2021. Collection method: clinical testing. Allele origin: germline. Affected: yes.

Illumina Laboratory Services, Illumina
Classification: Benign for Epidermolysis bullosa simplex due to plakophilin deficiency. Last evaluated: 2018-01-13. Review status: criteria provided, single submitter. Criteria: ICSL Variant Classification Criteria 13 December 2019. Collection method: clinical testing. Allele origin: germline.
Comment: This variant was observed in the ICSL laboratory as part of a predisposition screen in an ostensibly healthy population. It had not been previously curated by ICSL or reported in the Human Gene Mutation Database (HGMD: prior to June 1st, 2018), and was therefore a candidate for classification through an automated scoring system. Utilizing variant allele frequency, disease prevalence and penetrance estimates, and inheritance mode, an automated score was calculated to assess if this variant is too frequent to cause the disease. Based on the score and internal cut-off values, a variant classified as benign is not then subjected to further curation. The score for this variant resulted in a classification of benign for this disease.

Breakthrough Genomics
Classification: Benign. Review status: criteria provided, single submitter. Criteria: ACMG Guidelines, 2015. Collection method: not provided. Allele origin: germline. Inheritance: Autosomal recessive inheritance. Affected: yes.